The following is an entry in ClinVar:

NM_007325.5(GRIA3):c.2602C>A (p.Pro868Thr)

Gene: GRIA3 (glutamate ionotropic receptor AMPA type subunit 3; plus strand). Cytogenetic location: Xq25.
Variant type: single nucleotide variant.
Coding change: c.2602C>A on transcript NM_007325.5 (MANE Select); coding-DNA position 2602, C replaced by A.
Protein change: p.Pro868Thr; replaces proline 868 with threonine.
Molecular consequence: missense variant.
Genome position (GRCh38, 1-based): chrX:123,482,961, C>A. VCF-style: chrX-123482961-C-A. GRCh37 (hg19) VCF-style: chrX-122616812-C-A.
Other names: c.2602C>A, p.Pro868Thr (NM_000828.5); short protein forms P868T.
Identifiers: ClinVar variation 2975890 (VCV002975890.3), dbSNP rs144351025, ClinGen allele CA335245031.
Genomic context (GRCh38, chrX:123,482,961, plus strand): 5'-TACAAATCACGGGCAGAGTCCAAACGCATGAAACTCACAAAGAACACCCAAAACTTTAAG[C>A]CTGCTCCTGCCACCAACACTCAGAATTATGCTACATACAGAGAAGGCTACAACGTGTATG-3'
Protein context (NP_015564.5, residues 858-878): KLTKNTQNFK[Pro868Thr]APATNTQNYA

ClinVar aggregate classification (germline): Uncertain significance (1 of 4 stars; one submission).

Allele frequency attached by ClinVar (database versions not stated): gnomAD exomes below 0.00001; TOPMed 0.00001; gnomAD 0.00002; ESP Exome Variant Server 0.00009.
gnomAD v4.1: 3 of 1,203,736 alleles (0.00025%); highest among the groups gnomAD compares: African/African-American, 0.0053%; no homozygotes.

Submission:

Labcorp Genetics (formerly Invitae), Labcorp
Classification: Uncertain significance. Last evaluated: 2024-11-18. Review status: criteria provided, single submitter. Criteria: Invitae Variant Classification Sherloc (09022015). Collection method: clinical testing. Allele origin: germline.
Comment: This sequence change replaces proline, which is neutral and non-polar, with threonine, which is neutral and polar, at codon 868 of the GRIA3 protein (p.Pro868Thr). This variant is present in population databases (rs144351025, gnomAD 0.008%). This variant has not been reported in the literature in individuals affected with GRIA3-related conditions. ClinVar contains an entry for this variant (Variation ID: 2975890). An algorithm developed to predict the effect of missense changes on protein structure and function (PolyPhen-2) suggests that this variant is likely to be disruptive. In summary, the available evidence is currently insufficient to determine the role of this variant in disease. Therefore, it has been classified as a Variant of Uncertain Significance.